The following is an entry in ClinVar:

ClinVar aggregate classification (germline): Uncertain significance (1 of 4 stars; one submission).

Conditions:
Microcephaly, normal intelligence and immunodeficiency (NBS). Also called: Nijmegen breakage syndrome; Microcephaly with normal intelligence immunodeficiency and lymphoreticular malignancies; Nonsyndromal microcephaly autosomal recessive with normal intelligence; Seemanova syndrome 2; Immunodeficiency, microcephaly with normal intelligence; Ataxia telangiectasia variant V1. Identifiers: Orphanet 647, MedGen C0398791, MONDO:0009623, OMIM 251260.

Allele frequency attached by ClinVar (database versions not stated): gnomAD exomes below 0.00001.
gnomAD v4.1: 1 of 1,613,646 alleles (0.000062%); highest among the groups gnomAD compares: Non-Finnish European, 0.000085%; no homozygotes.

Submission:

Labcorp Genetics (formerly Invitae), Labcorp
Classification: Uncertain significance for Microcephaly, normal intelligence and immunodeficiency. Last evaluated: 2023-02-24. Review status: criteria provided, single submitter. Criteria: Invitae Variant Classification Sherloc (09022015). Collection method: clinical testing. Allele origin: germline.
Comment: Algorithms developed to predict the effect of missense changes on protein structure and function output the following: SIFT: "Not Available"; PolyPhen-2: "Benign"; Align-GVGD: "Not Available". The threonine amino acid residue is found in multiple mammalian species, which suggests that this missense change does not adversely affect protein function. This variant has not been reported in the literature in individuals affected with NBN-related conditions. This variant is not present in population databases (gnomAD no frequency). This sequence change replaces methionine, which is neutral and non-polar, with threonine, which is neutral and polar, at codon 395 of the NBN protein (p.Met395Thr). In summary, the available evidence is currently insufficient to determine the role of this variant in disease. Therefore, it has been classified as a Variant of Uncertain Significance.

NM_002485.5(NBN):c.1184T>C (p.Met395Thr)

Gene: NBN (nibrin; minus strand). Cytogenetic location: 8q21.3.
Variant type: single nucleotide variant.
Coding change: c.1184T>C on transcript NM_002485.5 (MANE Select); coding-DNA position 1184, T replaced by C.
Protein change: p.Met395Thr; replaces methionine 395 with threonine.
Molecular consequence: missense variant.
Genome position (GRCh38, 1-based): chr8:89,955,496, A>G on the plus strand (T>C on the coding strand, the complement: NBN is on the minus strand). VCF-style: chr8-89955496-A-G. GRCh37 (hg19) VCF-style: chr8-90967724-A-G.
Other names: c.938T>C, p.Met313Thr (NM_001024688.3); short protein forms M313T, M395T.
Identifiers: ClinVar variation 2968752 (VCV002968752.3), dbSNP rs2488245201, ClinGen allele CA371656405.
Genomic context (GRCh38, chr8:89,955,496, plus strand): 5'-CTATTATTATTAGAGCTTGTTTTGCAGGACTCCTTTACAGTGGGTGCATCTTGTGAAAGC[A>G]TTCTGAATTTTTGTTCCATTTTGGAGACTTTGATTTCTTTTGGCCTTTCACTCAAATCCC-3'
Protein context (NP_002476.2, residues 385-405): KVSKMEQKFR[Met395Thr]LSQDAPTVKE